The following is an entry in ClinVar:

NM_001025356.3(ANO6):c.2364C>T (p.Phe788=)

Gene: ANO6 (anoctamin 6; plus strand). Cytogenetic location: 12q12.
Variant type: single nucleotide variant.
Coding change: c.2364C>T on transcript NM_001025356.3 (MANE Select); coding-DNA position 2364, C replaced by T.
Protein change: p.Phe788=; no amino-acid change (phenylalanine 788 retained).
Molecular consequence: synonymous variant.
Genome position (GRCh38, 1-based): chr12:45,421,217, C>T. VCF-style: chr12-45421217-C-T. GRCh37 (hg19) VCF-style: chr12-45815000-C-T.
Other names: p.Phe788=; c.2310C>T, p.Phe770= (NM_001142678.2); c.2364C>T, p.Phe788= (NM_001142679.2); c.2427C>T, p.Phe809= (NM_001204803.2); c.2331C>T, p.Phe777= (NM_001410973.1).
Identifiers: ClinVar variation 1900493 (VCV001900493.6), dbSNP rs769698048, ClinGen allele CA6525593.

ClinVar aggregate classification (germline): Likely benign. Review status: criteria provided, multiple submitters, no conflicts (2 of 4 stars). 2 submissions from 2 submitters: Likely benign (2). Last evaluated 2025-09-03.

Allele frequency attached by ClinVar (database versions not stated): ExAC 0.00001; gnomAD exomes 0.00001; gnomAD 0.00002; TOPMed 0.00002.
gnomAD v4.1: 11 of 1,614,162 alleles (0.00068%); highest among the groups gnomAD compares: Admixed American, 0.0083%; no homozygotes.

Submissions (2):

Mayo Clinic Laboratories, Mayo Clinic
Classification: Likely benign. Last evaluated: 2025-09-03. Review status: criteria provided, single submitter. Criteria: ACMG Guidelines, 2015. Collection method: clinical testing. Allele origin: germline. Observed: 1 variant allele.
Comment: BP4, BP7

Labcorp Genetics (formerly Invitae), Labcorp
Classification: Likely benign. Last evaluated: 2025-05-11. Review status: criteria provided, single submitter. Criteria: Invitae Variant Classification Sherloc (09022015). Collection method: clinical testing. Allele origin: germline.